The following is an entry in ClinVar:

ClinVar aggregate classification (germline): Uncertain significance (1 of 4 stars; one submission).

Submission:

GeneDx
Classification: Uncertain significance. Last evaluated: 2022-01-26. Review status: criteria provided, single submitter. Criteria: GeneDx Variant Classification Process June 2021. Collection method: clinical testing. Allele origin: germline. Affected: yes.
Comment: Not observed at significant frequency in large population cohorts (gnomAD); In silico analysis supports that this missense variant does not alter protein structure/function; Has not been previously published as pathogenic or benign to our knowledge

NM_139319.3(SLC17A8):c.664A>T (p.Thr222Ser)

Gene: SLC17A8 (solute carrier family 17 member 8; plus strand). Cytogenetic location: 12q23.1.
Variant type: single nucleotide variant.
Coding change: c.664A>T on transcript NM_139319.3 (MANE Select); coding-DNA position 664, A replaced by T.
Protein change: p.Thr222Ser; replaces threonine 222 with serine.
Molecular consequence: missense variant.
Genome position (GRCh38, 1-based): chr12:100,396,405, A>T. VCF-style: chr12-100396405-A-T. GRCh37 (hg19) VCF-style: chr12-100790183-A-T.
Other names: c.664A>T, p.Thr222Ser (NM_001145288.2); short protein forms T222S.
Identifiers: ClinVar variation 1699827 (VCV001699827.2), dbSNP rs2135999713, ClinGen allele CA386216607.